The following is an entry in ClinVar:

NM_206933.4(USH2A):c.13477del (p.Arg4493fs)

Gene: USH2A (usherin; minus strand). Cytogenetic location: 1q41.
Variant type: Deletion.
Coding change: c.13477del on transcript NM_206933.4 (MANE Select); coding-DNA position 13477, one base deleted (C; older notation c.13477delC).
Protein change: p.Arg4493fs; shifts the reading frame from arginine 4493.
Molecular consequence: frameshift variant.
Genome position (GRCh38, 1-based): chr1:215,674,434, G deleted on the plus strand (C on the coding strand, the reverse complement: USH2A is on the minus strand). VCF-style (leftmost placement, unchanged base first): chr1-215674433-CG-C. GRCh37 (hg19) VCF-style: chr1-215847775-CG-C.
Other names: short protein forms R4493fs.
Identifiers: ClinVar variation 4817093 (VCV004817093.1).

ClinVar aggregate classification (germline): Likely pathogenic (1 of 4 stars; one submission).

Conditions:
Usher syndrome type 2A. Also called: RETINAL DISEASE IN USHER SYNDROME TYPE IIA, MODIFIER OF; USHER SYNDROME, TYPE IIA. Identifiers: Orphanet 231178, Orphanet 886, MedGen C1848634, MONDO:0010169, OMIM 276901.

Submission:

Natera, Inc.
Classification: Likely pathogenic for Usher syndrome type 2A. Last evaluated: 2025-08-19. Review status: criteria provided, single submitter. Criteria: Natera Variant Classification Schema (03/2026). Collection method: clinical testing. Allele origin: germline.
Comment: The c.13477del variant in USH2A is a frameshift variant predicted to shift the reading frame beginning at codon 4493 and leads to a stop codon 17 codons downstream. This variant is expected to result in nonsense mediated decay, truncation, or a dysfunctional protein product. This variant is rare in the general population with a frequency below the threshold expected for the associated phenotype(s). Given the available evidence, this variant is classified as Likely Pathogenic.